The following is an entry in ClinVar:

ClinVar aggregate classification (germline): Uncertain significance (1 of 4 stars; one submission).

Conditions:
Hereditary sensory and autonomic neuropathy type 6. Also called: HSAN VI; Neuropathy, hereditary sensory and autonomic, type VI. Identifiers: Orphanet 314381, MedGen C3539003, MONDO:0013839, OMIM 614653.
Epidermolysis bullosa simplex 3, localized or generalized intermediate, with BP230 deficiency (EBS3). Also called: Epidermolysis bullosa simplex due to BP230 deficiency; Epidermolysis bullosa simplex, autosomal recessive 2. Identifiers: Orphanet 412181, MedGen C3809470, MONDO:0014180, OMIM 615425.

Allele frequency attached by ClinVar (database versions not stated): gnomAD exomes below 0.00001.
gnomAD v4.1: 2 of 1,613,936 alleles (0.00012%); highest among the groups gnomAD compares: Non-Finnish European, 0.00017%; no homozygotes.

Submission:

Labcorp Genetics (formerly Invitae), Labcorp
Classification: Uncertain significance for Epidermolysis bullosa simplex 3, localized or generalized intermediate, with BP230 deficiency; Hereditary sensory and autonomic neuropathy type 6. Last evaluated: 2023-03-19. Review status: criteria provided, single submitter. Criteria: Invitae Variant Classification Sherloc (09022015). Collection method: clinical testing. Allele origin: germline.
Comment: This variant is not present in population databases (gnomAD no frequency). In summary, the available evidence is currently insufficient to determine the role of this variant in disease. Therefore, it has been classified as a Variant of Uncertain Significance. An algorithm developed to predict the effect of missense changes on protein structure and function (PolyPhen-2) suggests that this variant is likely to be disruptive. This variant has not been reported in the literature in individuals affected with DST-related conditions. This sequence change replaces leucine, which is neutral and non-polar, with phenylalanine, which is neutral and non-polar, at codon 1473 of the DST protein (p.Leu1473Phe).

NM_001723.7(DST):c.4419A>C (p.Leu1473Phe)

Gene: DST (dystonin; minus strand). Cytogenetic location: 6p12.1.
Variant type: single nucleotide variant.
Coding change: c.4419A>C on transcript NM_001723.7 (MANE Plus Clinical); coding-DNA position 4419, A replaced by C.
Protein change: p.Leu1473Phe; replaces leucine 1473 with phenylalanine.
Molecular consequence: missense variant. On other transcripts: intron variant (10).
Genome position (GRCh38, 1-based): chr6:56,619,615, T>G on the plus strand (A>C on the coding strand, the complement: DST is on the minus strand). VCF-style: chr6-56619615-T-G. GRCh37 (hg19) VCF-style: chr6-56484413-T-G.
Other names: c.4830+4915A>C (NM_001144769.5); c.4929+4915A>C (NM_001374722.1, NM_001374736.1); c.4956+4915A>C (NM_001374734.1); c.4416+4915A>C (NM_001144770.2); c.4296+4915A>C (NM_001374730.1, NM_001386100.1, NM_183380.4 and 1 more transcripts); c.3318+4915A>C (NM_015548.5); short protein forms L1473F.
Identifiers: ClinVar variation 2940891 (VCV002940891.3), dbSNP rs2536716753, ClinGen allele CA364569722.
Genomic context (GRCh38, chr6:56,619,615, plus strand): 5'-TGCCCTTGTGATTCTGTCTACTTCTCTTTGTAGTTTCCCTTTTTCATGATTAAGAGATTC[T>G]AATTCTAACTGATAATTGCGCTTTATTTTCTTGAGATCACTAGCTTCTTGCATGGCTTCT-3'
Protein context (NP_001714.1, residues 1463-1483): KKIKRNYQLE[Leu1473Phe]ESLNHEKGKL